The following is an entry in ClinVar:

NM_004320.6(ATP2A1):c.450C>T (p.Ile150=)

Gene: ATP2A1 (ATPase sarcoplasmic/endoplasmic reticulum Ca2+ transporting 1; plus strand). Cytogenetic location: 16p11.2.
Variant type: single nucleotide variant.
Coding change: c.450C>T on transcript NM_004320.6 (MANE Select); coding-DNA position 450, C replaced by T.
Protein change: p.Ile150=; no amino-acid change (isoleucine 150 retained).
Molecular consequence: synonymous variant.
Genome position (GRCh38, 1-based): chr16:28,882,576, C>T. VCF-style: chr16-28882576-C-T. GRCh37 (hg19) VCF-style: chr16-28893897-C-T.
Other names: c.75C>T, p.Ile25= (NM_001286075.2); c.450C>T, p.Ile150= (NM_173201.5).
Identifiers: ClinVar variation 318768 (VCV000318768.9), dbSNP rs781369773, ClinGen allele CA7986644.

ClinVar aggregate classification (germline): Conflicting classifications of pathogenicity. Review status: criteria provided, conflicting classifications (1 of 4 stars). 3 submissions from 3 submitters: Uncertain significance (1); Likely benign (2). Last evaluated 2026-01-13.

Conditions:
Brody myopathy. Also called: BRODY DISEASE. Identifiers: Orphanet 53347, MedGen C1832918, MONDO:0010977, OMIM 601003.

Allele frequency attached by ClinVar (database versions not stated): gnomAD exomes below 0.00001 and 0.00001; ExAC 0.00001; gnomAD 0.00001; TOPMed 0.00001.
gnomAD v4.1: 24 of 1,614,012 alleles (0.0015%); highest among the groups gnomAD compares: Middle Eastern, 0.016%; no homozygotes.

Submissions (3):

Labcorp Genetics (formerly Invitae), Labcorp
Classification: Likely benign for Brody myopathy. Last evaluated: 2026-01-13. Review status: criteria provided, single submitter. Criteria: Invitae Variant Classification Sherloc (09022015). Collection method: clinical testing. Allele origin: germline.

Illumina Laboratory Services, Illumina
Classification: Uncertain significance for Brody myopathy. Last evaluated: 2018-01-13. Review status: criteria provided, single submitter. Criteria: ICSL Variant Classification Criteria 13 December 2019. Collection method: clinical testing. Allele origin: germline.

GeneDx
Classification: Likely benign. Last evaluated: 2017-08-16. Review status: criteria provided, single submitter. Criteria: GeneDx Variant Classification (06012015). Collection method: clinical testing. Allele origin: germline. Affected: yes.
Comment: This variant is considered likely benign or benign based on one or more of the following criteria: it is a conservative change, it occurs at a poorly conserved position in the protein, it is predicted to be benign by multiple in silico algorithms, and/or has population frequency not consistent with disease.